The following is an entry in ClinVar:

NC_012920.1(MT-RNR1):m.1047A>G

Gene: MT-RNR1 (mitochondrially encoded 12S RNA; plus strand).
Variant type: single nucleotide variant.
Genome position: chrM-1047-A-G.
Identifiers: ClinVar variation 517649 (VCV000517649.4), dbSNP rs1556422506, ClinGen allele CA658799930.

ClinVar aggregate classification (germline): Likely benign (1 of 4 stars; one submission).

Submission:

Laboratory for Molecular Medicine, Mass General Brigham Personalized Medicine
Classification: Likely benign. Last evaluated: 2017-11-22. Review status: criteria provided, single submitter. Criteria: LMM Criteria. Collection method: clinical testing. Allele origin: germline. Observed: 1 variant allele.
Comment: m.1047A>G in MTRNR1: Although this variant has been previously reported in 1 ind ividual with mitochondrial encephalomyopathy and 1 individual with hearing loss (Nishino 1996, Rydzanicz 2010), the variant is not expected to have clinical sig nificance because it has been reported at high frequency in several haplogroups, including 27% (3/11) of M55, which is of East Asian origin, and 14% (26/188) of E1a, which is of Melanesian origin.

Literature cited by the submitters: PubMed 20353758; PubMed 8769114; PubMed 19371214.